The following is an entry in ClinVar:

ClinVar aggregate classification (germline): Likely benign. Review status: criteria provided, multiple submitters, no conflicts (2 of 4 stars). 3 submissions from 3 submitters: Likely benign (3). Last evaluated 2024-08-06.

Conditions:
Arrhythmogenic right ventricular cardiomyopathy (ARVD). Also called: Cardiomyopathy, ARVC; Arrhythmogenic right ventricular dysplasia; Arrhythmogenic cardiomyopathy; Arrhythmogenic Right Ventricular Cardiomyopathy (ARVC). Identifiers: Orphanet 247, MedGen C0349788, MeSH D019571, MONDO:0016587. Disease mechanism: loss of function. Inheritance: Various modes of inheritance.
Cardiomyopathy (CMYO). Also called: Cardiomyopathies. Identifiers: Orphanet 167848, MedGen C0878544, MONDO:0004994, HP:0001638. Inheritance: Various modes of inheritance.
Arrhythmogenic right ventricular dysplasia 10. Also called: Arrhythmogenic Right Ventricular Dysplasia/Cardiomyopathy10; ARRHYTHMOGENIC RIGHT VENTRICULAR DYSPLASIA, FAMILIAL, 10; Arrhythmogenic right ventricular dysplasia/cardiomyopathy, type 10. Identifiers: MedGen C1857777, MONDO:0012434, OMIM 610193.

Allele frequency attached by ClinVar (database versions not stated): gnomAD exomes below 0.00001.
gnomAD v4.1: 1 of 1,606,132 alleles (0.000062%); highest among the groups gnomAD compares: Non-Finnish European, 0.000085%; no homozygotes.

Submissions (3):

All of Us Research Program, National Institutes of Health
Classification: Likely benign for Arrhythmogenic right ventricular cardiomyopathy. Last evaluated: 2024-08-06. Review status: criteria provided, single submitter. Criteria: ACMG Guidelines, 2015. Collection method: clinical testing. Allele origin: germline. Inheritance: Autosomal dominant inheritance. Observed: 3 variant alleles, 3 heterozygotes.
Comment: This study involves interpretation of variants in research participants for the purpose of population health screening. Participant phenotype was not available at the time of variant classification. Additional details can be found in publication PMID: 35346344, PMCID: PMC8962531

Color Diagnostics, LLC DBA Color Health
Classification: Likely benign for Cardiomyopathy. Last evaluated: 2024-04-10. Review status: criteria provided, single submitter. Criteria: ACMG Guidelines, 2015. Collection method: clinical testing. Allele origin: germline.

Labcorp Genetics (formerly Invitae), Labcorp
Classification: Likely benign for Arrhythmogenic right ventricular dysplasia 10. Last evaluated: 2022-02-12. Review status: criteria provided, single submitter. Criteria: Invitae Variant Classification Sherloc (09022015). Collection method: clinical testing. Allele origin: germline.

NM_001943.5(DSG2):c.2868C>T (p.Ser956=)

Genes: DSG2 (desmoglein 2; plus strand), DSG2-AS1 (DSG2 antisense RNA 1; minus strand). Cytogenetic location: 18q12.1.
Variant type: single nucleotide variant.
Coding change: c.2868C>T on transcript NM_001943.5 (MANE Select); coding-DNA position 2868, C replaced by T.
Protein change: p.Ser956=; no amino-acid change (serine 956 retained).
Molecular consequence: synonymous variant.
Genome position (GRCh38, 1-based): chr18:31,546,254, C>T. VCF-style: chr18-31546254-C-T. GRCh37 (hg19) VCF-style: chr18-29126217-C-T.
Identifiers: ClinVar variation 1080405 (VCV001080405.12), dbSNP rs2144360449, ClinGen allele CA503766398.
Genomic context (GRCh38, chr18:31,546,254, plus strand): 5'-AGAAACTTCCTATGTCACAGGGTCCACTATGCCACCAACCACTGTGATCCTGGGTCCTAG[C>T]CAGCCACAGAGCCTTATTGTGACAGAGAGGGTGTATGCTCCAGCTTCTACCTTGGTAGAT-3'
Protein context (NP_001934.2, residues 946-966): MPPTTVILGP[Ser956=]QPQSLIVTER